The following is an entry in ClinVar:

NM_014283.5(SUCO):c.3204G>C (p.Leu1068Phe)

Gene: SUCO (SUN domain containing ossification factor; plus strand). Cytogenetic location: 1q24.3.
Variant type: single nucleotide variant.
Coding change: c.3204G>C on transcript NM_014283.5 (MANE Select); coding-DNA position 3204, G replaced by C.
Protein change: p.Leu1068Phe; replaces leucine 1068 with phenylalanine.
Molecular consequence: missense variant.
Genome position (GRCh38, 1-based): chr1:172,602,726, G>C. VCF-style: chr1-172602726-G-C. GRCh37 (hg19) VCF-style: chr1-172571866-G-C.
Other names: c.2091G>C, p.Leu697Phe (NM_001282750.2); c.1515G>C, p.Leu505Phe (NM_001282751.2); c.3657G>C, p.Leu1219Phe (NM_016227.4); short protein forms L1219F, L1068F, L505F, L697F.
Identifiers: ClinVar variation 1492585 (VCV001492585.9), dbSNP rs115262321, ClinGen allele CA1247279.

ClinVar aggregate classification (germline): Uncertain significance. Review status: criteria provided, multiple submitters, no conflicts (2 of 4 stars). 2 submissions from 2 submitters: Uncertain significance (2). Last evaluated 2025-07-10.

Allele frequency attached by ClinVar (database versions not stated): TOPMed 0.00003; gnomAD exomes 0.00004; gnomAD 0.00005 and 0.00007; ExAC 0.00008; 1000 Genomes Project 30x 0.00047; 1000 Genomes Project 0.00060.

Submissions (2):

Labcorp Genetics (formerly Invitae), Labcorp
Classification: Uncertain significance. Last evaluated: 2025-07-10. Review status: criteria provided, single submitter. Criteria: Invitae Variant Classification Sherloc (09022015). Collection method: clinical testing. Allele origin: germline.
Comment: This sequence change replaces leucine, which is neutral and non-polar, with phenylalanine, which is neutral and non-polar, at codon 1068 of the SUCO protein (p.Leu1068Phe). This variant is present in population databases (rs115262321, gnomAD 0.01%). This variant has not been reported in the literature in individuals affected with SUCO-related conditions. ClinVar contains an entry for this variant (Variation ID: 1492585). An algorithm developed to predict the effect of missense changes on protein structure and function (PolyPhen-2) suggests that this variant is likely to be disruptive. In summary, the available evidence is currently insufficient to determine the role of this variant in disease. Therefore, it has been classified as a Variant of Uncertain Significance.

Breakthrough Genomics
Classification: Uncertain significance. Review status: criteria provided, single submitter. Criteria: ACMG Guidelines, 2015. Collection method: not provided. Allele origin: germline. Inheritance: Unknown mechanism. Affected: yes.